The following is an entry in ClinVar:

ClinVar aggregate classification (germline): Pathogenic (1 of 4 stars; one submission).

Conditions:
Ataxia-telangiectasia syndrome (AT). Also called: LOUIS-BAR SYNDROME; Ataxia-telangiectasia; Cerebello-oculocutaneous telangiectasia; Immunodeficiency with ataxia telangiectasia; ATAXIA-TELANGIECTASIA, COMPLEMENTATION GROUP A; ATAXIA-TELANGIECTASIA, FRESNO VARIANT. Identifiers: Orphanet 100, MedGen C0004135, MONDO:0008840, OMIM 208900.

Submission:

Labcorp Genetics (formerly Invitae), Labcorp
Classification: Pathogenic for Ataxia-telangiectasia syndrome. Last evaluated: 2024-12-18. Review status: criteria provided, single submitter. Criteria: Invitae Variant Classification Sherloc (09022015). Collection method: clinical testing. Allele origin: germline.
Comment: This sequence change affects an acceptor splice site in intron 18 of the ATM gene. RNA analysis indicates that disruption of this splice site induces altered splicing and likely results in the loss of 6 amino acid residue(s), but is expected to preserve the integrity of the reading-frame. This variant is not present in population databases (gnomAD no frequency). This variant has not been reported in the literature in individuals affected with ATM-related conditions. ClinVar contains an entry for this variant (Variation ID: 1489642). Studies have shown that disruption of this splice site results in the activation of a cryptic splice site in exon 19 (internal data). This variant disrupts a region of the ATM protein in which other variant(s) (p.Leu950Arg) have been determined to be pathogenic (PMID: 10873394, 12552559, 20678261, 21792198). This suggests that this is a clinically significant region of the protein, and that variants that disrupt it are likely to be disease-causing. For these reasons, this variant has been classified as Pathogenic.

Literature cited by the submitters: PubMed 10873394; PubMed 12552559; PubMed 20678261; PubMed 21792198.

NM_000051.4(ATM):c.2839-2A>C

Gene: ATM (ATM serine/threonine kinase; plus strand). Cytogenetic location: 11q22.3.
Variant type: single nucleotide variant.
Coding change: c.2839-2A>C on transcript NM_000051.4 (MANE Select); the canonical splice acceptor site of the intron before coding-DNA position 2839, A replaced by C.
Molecular consequence: splice acceptor variant.
Genome position (GRCh38, 1-based): chr11:108,271,062, A>C. VCF-style: chr11-108271062-A-C. GRCh37 (hg19) VCF-style: chr11-108141789-A-C.
Other names: c.2839-2A>C (NM_001351834.2).
Identifiers: ClinVar variation 1489642 (VCV001489642.8), dbSNP rs1060501703, ClinGen allele CA382546670.